The following is an entry in ClinVar:

ClinVar aggregate classification (germline): Likely benign. Review status: criteria provided, multiple submitters, no conflicts (2 of 4 stars). 2 submissions from 2 submitters: Likely benign (2). Last evaluated 2026-07-07.

Conditions:
Rhabdoid tumor predisposition syndrome 2 (RTPS2). Identifiers: Orphanet 231108, Orphanet 69077, MedGen C2750074, MONDO:0013224, OMIM 613325.

Allele frequency attached by ClinVar (database versions not stated): gnomAD exomes below 0.00001.
gnomAD v4.1: 5 of 1,581,932 alleles (0.00032%); highest among the groups gnomAD compares: African/African-American, 0.004%; no homozygotes.

Submissions (2):

Myriad Genetics, Inc.
Classification: Likely benign for Rhabdoid tumor predisposition syndrome 2. Last evaluated: 2026-07-07. Review status: criteria provided, single submitter. Criteria: Myriad Autosomal Dominant, Autosomal Recessive and X-Linked Classification Criteria (2023). Collection method: clinical testing. Allele origin: unknown.
Comment: This variant is considered likely benign. This variant is intronic and is not expected to impact mRNA splicing.

Labcorp Genetics (formerly Invitae), Labcorp
Classification: Likely benign for Rhabdoid tumor predisposition syndrome 2. Last evaluated: 2025-09-04. Review status: criteria provided, single submitter. Criteria: Invitae Variant Classification Sherloc (09022015). Collection method: clinical testing. Allele origin: germline.

NM_003072.5(SMARCA4):c.3081+9C>A

Gene: SMARCA4 (SWI/SNF related BAF chromatin remodeling complex subunit ATPase 4; plus strand). Cytogenetic location: 19p13.2.
Variant type: single nucleotide variant.
Coding change: c.3081+9C>A on transcript NM_003072.5 (MANE Select); 9 bases into the intron after coding-DNA position 3081, C replaced by A.
Molecular consequence: intron variant.
Genome position (GRCh38, 1-based): chr19:11,024,447, C>A. VCF-style: chr19-11024447-C-A. GRCh37 (hg19) VCF-style: chr19-11135123-C-A.
Other names: c.3081+9C>A (NM_001128844.3, NM_001128849.3, NM_001128847.4 and 5 more transcripts).
Identifiers: ClinVar variation 1100796 (VCV001100796.10), dbSNP rs112327997, ClinGen allele CA305276234.